The following is an entry in ClinVar:

ClinVar aggregate classification (germline): Likely pathogenic (1 of 4 stars; one submission).

Conditions:
Hereditary factor VIII deficiency disease (HEMA). Also called: HEMOPHILIA, CLASSIC; AUTOSOMAL HEMOPHILIA A; Hemophilia A; Hemophilia A, congenital; HEM A; Factor 8 deficiency, congenital. Identifiers: Orphanet 98878, MedGen C0019069, MONDO:0010602, OMIM 306700.

Submission:

Myriad Genetics, Inc.
Classification: Likely pathogenic for Hereditary factor VIII deficiency disease. Last evaluated: 2025-05-05. Review status: criteria provided, single submitter. Criteria: Myriad Autosomal Dominant, Autosomal Recessive and X-Linked Classification Criteria (2023). Collection method: clinical testing. Allele origin: unknown.
Comment: NM_000132.3(F8):c.292G>A(E98K) is a missense variant classified as likely pathogenic in the context of hemophilia A. E98K has been observed in cases with relevant disease (PMID: 34788507, 9886318, 39125936, 29296726). Relevant functional assessments of this variant are not available in the literature. E98K has not been observed in referenced population frequency databases. In summary, NM_000132.3(F8):c.292G>A(E98K) is a missense variant that has been observed more frequently in cases with the relevant disease than in healthy populations. Please note: this variant was assessed in the context of healthy population screening.

Literature cited by the submitters: PubMed 29296726; PubMed 34788507; PubMed 39125936; PubMed 9886318.

NM_000132.4(F8):c.292G>A (p.Glu98Lys)

Gene: F8 (coagulation factor VIII; minus strand). Cytogenetic location: Xq28.
Variant type: single nucleotide variant.
Coding change: c.292G>A on transcript NM_000132.4 (MANE Select); coding-DNA position 292, G replaced by A.
Protein change: p.Glu98Lys; replaces glutamic acid 98 with lysine.
Molecular consequence: missense variant.
Genome position (GRCh38, 1-based): chrX:154,997,069, C>T on the plus strand (G>A on the coding strand, the complement: F8 is on the minus strand). VCF-style: chrX-154997069-C-T. GRCh37 (hg19) VCF-style: chrX-154225344-C-T.
Other names: short protein forms E98K.
Identifiers: ClinVar variation 4081659 (VCV004081659.1).